The following is an entry in ClinVar:

NM_021252.5(RAB18):c.69-130T>A

Gene: RAB18 (RAB18, member RAS oncogene family; plus strand). Cytogenetic location: 10p12.1.
Variant type: single nucleotide variant.
Coding change: c.69-130T>A on transcript NM_021252.5 (MANE Select); 130 bases into the intron before coding-DNA position 69, T replaced by A.
Molecular consequence: intron variant.
Genome position (GRCh38, 1-based): chr10:27,509,745, T>A. VCF-style: chr10-27509745-T-A. GRCh37 (hg19) VCF-style: chr10-27798674-T-A.
Other names: c.69-130T>A (NM_001256410.2, NM_001256411.2, NM_001256412.2).
Identifiers: ClinVar variation 668608 (VCV000668608.1), dbSNP rs11015829, ClinGen allele CA204482153.

ClinVar aggregate classification (germline): Benign (1 of 4 stars; one submission).

Allele frequency attached by ClinVar (database versions not stated): 1000 Genomes Project 0.32728; 1000 Genomes Project 30x 0.33229; TOPMed 0.41450; gnomAD 0.42861 and 0.43422; gnomAD exomes 0.45585.
gnomAD v4.1: 341,530 of 758,042 alleles (45%); highest among the groups gnomAD compares: Non-Finnish European, 51%; 80,861 homozygotes.

Submission:

GeneDx
Classification: Benign. Last evaluated: 2018-06-19. Review status: criteria provided, single submitter. Criteria: GeneDx Variant Classification (06012015). Collection method: clinical testing. Allele origin: germline. Affected: yes.
Comment: This variant is considered likely benign or benign based on one or more of the following criteria: it is a conservative change, it occurs at a poorly conserved position in the protein, it is predicted to be benign by multiple in silico algorithms, and/or has population frequency not consistent with disease.